The following is an entry in ClinVar:

ClinVar aggregate classification (germline): Likely benign (1 of 4 stars; one submission).

Allele frequency attached by ClinVar (database versions not stated): gnomAD exomes below 0.00001.
gnomAD v4.1: 1 of 1,210,881 alleles (0.000083%); highest among the groups gnomAD compares: Non-Finnish European, 0.00011%; no homozygotes.

Submission:

CeGaT Center for Human Genetics Tuebingen
Classification: Likely benign. Last evaluated: 2022-11-01. Review status: criteria provided, single submitter. Criteria: CeGaT Center For Human Genetics Tuebingen Variant Classification Criteria Version 2. Collection method: clinical testing. Allele origin: germline. Affected: yes. Observed: 1 variant allele.
Comment: PAK3: PM2:Supporting, BP4, BP7

NM_002578.5(PAK3):c.1242T>C (p.Pro414=)

Gene: PAK3 (p21 (RAC1) activated kinase 3; plus strand). Cytogenetic location: Xq23.
Variant type: single nucleotide variant.
Coding change: c.1242T>C on transcript NM_002578.5 (MANE Select); coding-DNA position 1242, T replaced by C.
Protein change: p.Pro414=; no amino-acid change (proline 414 retained).
Molecular consequence: synonymous variant. On other transcripts: non-coding transcript variant (2).
Genome position (GRCh38, 1-based): chrX:111,196,475, T>C. VCF-style: chrX-111196475-T-C. GRCh37 (hg19) VCF-style: chrX-110439703-T-C.
Other names: c.1242T>C, p.Pro414= (NM_001128166.3, NM_001128167.3, NM_001324325.2 and 5 more transcripts); c.1350T>C, p.Pro450= (NM_001128168.3); c.1305T>C, p.Pro435= (NM_001128172.2); c.1287T>C, p.Pro429= (NM_001128173.3, NM_001324327.2, NM_001324328.2 and 2 more transcripts).
Identifiers: ClinVar variation 2661201 (VCV002661201.24), dbSNP rs2524222965, ClinGen allele CA518028786.
Genomic context (GRCh38, chrX:111,196,475, plus strand): 5'-TTATTTTAACTGGCTTTTCTTCTCTGCAGCTGACTTTGGGTTCTGTGCCCAGATCACTCC[T>C]GAGCAAAGTAAACGAAGCACTATGGTGGGAACCCCATATTGGATGGCACCTGAGGTGGTG-3'
Protein context (NP_002569.1, residues 404-424): TDFGFCAQIT[Pro414=]EQSKRSTMVG